The following is an entry in ClinVar:

ClinVar aggregate classification (germline): Likely pathogenic. Review status: criteria provided, multiple submitters, no conflicts (2 of 4 stars). 2 submissions from 2 submitters: Likely pathogenic (2). Last evaluated 2024-06-08.

Conditions:
Platyspondylic dysplasia, Torrance type (PLSDT). Identifiers: Orphanet 85166, MedGen C1835437, MONDO:0007895, OMIM 151210.

Submissions (2):

Labcorp Genetics (formerly Invitae), Labcorp
Classification: Likely pathogenic. Last evaluated: 2024-06-08. Review status: criteria provided, single submitter. Criteria: Invitae Variant Classification Sherloc (09022015). Collection method: clinical testing. Allele origin: germline.
Comment: This sequence change replaces glycine, which is neutral and non-polar, with aspartic acid, which is acidic and polar, at codon 867 of the COL2A1 protein (p.Gly867Asp). This variant is not present in population databases (gnomAD no frequency). This missense change has been observed in individual(s) with COL2A1-related conditions and/or spondyloepiphyseal dysplasia congenita (PMID: 26633542, 35052477). ClinVar contains an entry for this variant (Variation ID: 2137332). Advanced modeling of protein sequence and biophysical properties (such as structural, functional, and spatial information, amino acid conservation, physicochemical variation, residue mobility, and thermodynamic stability) performed at Invitae indicates that this missense variant is expected to disrupt COL2A1 protein function with a positive predictive value of 95%. This variant disrupts the triple helix domain of COL2A1. Glycine residues within the Gly-Xaa-Yaa repeats of the triple helix domain are required for the structure and stability of fibrillar collagens (PMID: 7695699, 8218237, 19344236). In COL2A1, variants affecting these glycine residues are significantly enriched in individuals with disease (PMID: 9016532, 17078022) compared to the general population (ExAC). In summary, the currently available evidence indicates that the variant is pathogenic, but additional data are needed to prove that conclusively. Therefore, this variant has been classified as Likely Pathogenic.

3billion
Classification: Likely pathogenic for Platyspondylic dysplasia, Torrance type. Review status: criteria provided, single submitter. Criteria: ACMG Guidelines, 2015. Collection method: clinical testing. Allele origin: unknown. Affected: yes. Observed: 1 heterozygote.
Comment: The variant is not observed in the gnomAD v2.1.1 dataset. Missense changes are a common disease-causing mechanism. In silico tool predictions suggest damaging effect of the variant on gene or gene product (REVEL: 0.99; 3Cnet: 1.00). Same nucleotide change resulting in same amino acid change has been previously reported to be associated with COL2A1 related disorder (PMID: 26633542). Therefore, this variant is classified as Likely pathogenic according to the recommendation of ACMG/AMP guideline.

Literature cited by the submitters: PubMed 26633542 (cited by Labcorp Genetics (formerly Invitae), Labcorp and 3billion); PubMed 35052477 (cited by Labcorp Genetics (formerly Invitae), Labcorp and 3billion); PubMed 7695699 (cited by Labcorp Genetics (formerly Invitae), Labcorp); PubMed 8218237 (cited by Labcorp Genetics (formerly Invitae), Labcorp); PubMed 19344236 (cited by Labcorp Genetics (formerly Invitae), Labcorp); PubMed 9016532 (cited by Labcorp Genetics (formerly Invitae), Labcorp); PubMed 17078022 (cited by Labcorp Genetics (formerly Invitae), Labcorp).

NM_001844.5(COL2A1):c.2600G>A (p.Gly867Asp)

Gene: COL2A1 (collagen type II alpha 1 chain; minus strand). Cytogenetic location: 12q13.11.
Variant type: single nucleotide variant.
Coding change: c.2600G>A on transcript NM_001844.5 (MANE Select); coding-DNA position 2600, G replaced by A.
Protein change: p.Gly867Asp; replaces glycine 867 with aspartic acid.
Molecular consequence: missense variant.
Genome position (GRCh38, 1-based): chr12:47,980,579, C>T on the plus strand (G>A on the coding strand, the complement: COL2A1 is on the minus strand). VCF-style: chr12-47980579-C-T. GRCh37 (hg19) VCF-style: chr12-48374362-C-T.
Other names: c.2393G>A, p.Gly798Asp (NM_033150.3); short protein forms G867D, G798D.
Identifiers: ClinVar variation 2137332 (VCV002137332.5), dbSNP rs886042849, ClinGen allele CA384544381.